The following is an entry in ClinVar:

ClinVar aggregate classification (germline): Uncertain significance (1 of 4 stars; one submission).

Submission:

Labcorp Genetics (formerly Invitae), Labcorp
Classification: Uncertain significance. Last evaluated: 2022-03-23. Review status: criteria provided, single submitter. Criteria: Invitae Variant Classification Sherloc (09022015). Collection method: clinical testing. Allele origin: germline.
Comment: This variant is not present in population databases (gnomAD no frequency). This sequence change replaces asparagine, which is neutral and polar, with aspartic acid, which is acidic and polar, at codon 549 of the CLCN6 protein (p.Asn549Asp). This variant has not been reported in the literature in individuals affected with CLCN6-related conditions. In summary, the available evidence is currently insufficient to determine the role of this variant in disease. Therefore, it has been classified as a Variant of Uncertain Significance. Algorithms developed to predict the effect of missense changes on protein structure and function (SIFT, PolyPhen-2, Align-GVGD) all suggest that this variant is likely to be tolerated.

NM_001286.5(CLCN6):c.1645A>G (p.Asn549Asp)

Gene: CLCN6 (chloride voltage-gated channel 6; plus strand). Cytogenetic location: 1p36.22.
Variant type: single nucleotide variant.
Coding change: c.1645A>G on transcript NM_001286.5 (MANE Select); coding-DNA position 1645, A replaced by G.
Protein change: p.Asn549Asp; replaces asparagine 549 with aspartic acid.
Molecular consequence: missense variant. On other transcripts: non-coding transcript variant (1).
Genome position (GRCh38, 1-based): chr1:11,834,354, A>G. VCF-style: chr1-11834354-A-G. GRCh37 (hg19) VCF-style: chr1-11894411-A-G.
Other names: c.1579A>G, p.Asn527Asp (NM_001256959.2); short protein forms N549D, N527D.
Identifiers: ClinVar variation 2116169 (VCV002116169.4), dbSNP rs2523156727, ClinGen allele CA338435922.